The following is an entry in ClinVar:

ClinVar aggregate classification (germline): Uncertain significance (1 of 4 stars; one submission).

Conditions:
Spondylocostal dysostosis 3, autosomal recessive (SCDO3). Also called: LFNG-Related Spondylocostal Dysostosis, Autosomal Recessive. Identifiers: Orphanet 2311, MedGen C1853296, MONDO:0012349, OMIM 609813.

Allele frequency attached by ClinVar (database versions not stated): ExAC 0.00001; TOPMed 0.00002; gnomAD 0.00005 and 0.00006.
gnomAD v4.1: 11 of 1,612,328 alleles (0.00068%); highest among the groups gnomAD compares: African/African-American, 0.004%; no homozygotes.

Submission:

Labcorp Genetics (formerly Invitae), Labcorp
Classification: Uncertain significance for Spondylocostal dysostosis 3, autosomal recessive. Last evaluated: 2022-11-22. Review status: criteria provided, single submitter. Criteria: Invitae Variant Classification Sherloc (09022015). Collection method: clinical testing. Allele origin: germline.
Comment: This sequence change replaces aspartic acid, which is acidic and polar, with asparagine, which is neutral and polar, at codon 355 of the LFNG protein (p.Asp355Asn). In summary, the available evidence is currently insufficient to determine the role of this variant in disease. Therefore, it has been classified as a Variant of Uncertain Significance. Advanced modeling of protein sequence and biophysical properties (such as structural, functional, and spatial information, amino acid conservation, physicochemical variation, residue mobility, and thermodynamic stability) performed at Invitae indicates that this missense variant is expected to disrupt LFNG protein function. ClinVar contains an entry for this variant (Variation ID: 1366183). This variant has not been reported in the literature in individuals affected with LFNG-related conditions. This variant is present in population databases (rs780649312, gnomAD 0.008%).

NM_001040167.2(LFNG):c.1063G>A (p.Asp355Asn)

Gene: LFNG (LFNG O-fucosylpeptide 3-beta-N-acetylglucosaminyltransferase; plus strand). Cytogenetic location: 7p22.3.
Variant type: single nucleotide variant.
Coding change: c.1063G>A on transcript NM_001040167.2 (MANE Select); coding-DNA position 1063, G replaced by A.
Protein change: p.Asp355Asn; replaces aspartic acid 355 with asparagine.
Molecular consequence: missense variant.
Genome position (GRCh38, 1-based): chr7:2,526,911, G>A. VCF-style: chr7-2526911-G-A. GRCh37 (hg19) VCF-style: chr7-2566545-G-A.
Other names: c.1063G>A, p.Asp355Asn (NM_001040168.2); c.850G>A, p.Asp284Asn (NM_001166355.2); c.676G>A, p.Asp226Asn (NM_002304.3); short protein forms D355N, D226N, D284N.
Identifiers: ClinVar variation 1366183 (VCV001366183.8), dbSNP rs780649312, ClinGen allele CA4127270.